The following is an entry in ClinVar:

NM_015425.6(POLR1A):c.2170G>A (p.Val724Ile)

Gene: POLR1A (RNA polymerase I subunit A; minus strand). Cytogenetic location: 2p11.2.
Variant type: single nucleotide variant.
Coding change: c.2170G>A on transcript NM_015425.6 (MANE Select); coding-DNA position 2170, G replaced by A.
Protein change: p.Val724Ile; replaces valine 724 with isoleucine.
Molecular consequence: missense variant.
Genome position (GRCh38, 1-based): chr2:86,054,178, C>T on the plus strand (G>A on the coding strand, the complement: POLR1A is on the minus strand). VCF-style: chr2-86054178-C-T. GRCh37 (hg19) VCF-style: chr2-86281301-C-T.
Other names: c.2170G>A (NM_015425.3); short protein forms V724I.
Identifiers: ClinVar variation 1432864 (VCV001432864.10), dbSNP rs201242456, ClinGen allele CA1746158.

ClinVar aggregate classification (germline): Uncertain significance. Review status: criteria provided, multiple submitters, no conflicts (2 of 4 stars). 2 submissions from 2 submitters: Uncertain significance (2). Last evaluated 2025-12-15.

Conditions:
Inborn genetic diseases. Identifiers: MedGen C0950123, MeSH D030342.

Allele frequency attached by ClinVar (database versions not stated): gnomAD 0.00001; TOPMed 0.00003; gnomAD exomes 0.00004 and 0.00007; ExAC 0.00007; ESP Exome Variant Server 0.00008; 1000 Genomes Project 30x 0.00016; 1000 Genomes Project 0.00020.
gnomAD v4.1: 57 of 1,613,972 alleles (0.0035%); highest among the groups gnomAD compares: South Asian, 0.016%; 1 homozygote.

Submissions (2):

Labcorp Genetics (formerly Invitae), Labcorp
Classification: Uncertain significance. Last evaluated: 2025-12-15. Review status: criteria provided, single submitter. Criteria: Invitae Variant Classification Sherloc (09022015). Collection method: clinical testing. Allele origin: germline.
Comment: This sequence change replaces valine, which is neutral and non-polar, with isoleucine, which is neutral and non-polar, at codon 724 of the POLR1A protein (p.Val724Ile). This variant is present in population databases (rs201242456, gnomAD 0.02%). This variant has not been reported in the literature in individuals affected with POLR1A-related conditions. ClinVar contains an entry for this variant (Variation ID: 1432864). Invitae Evidence Modeling of protein sequence and biophysical properties (such as structural, functional, and spatial information, amino acid conservation, physicochemical variation, residue mobility, and thermodynamic stability) indicates that this missense variant is not expected to disrupt POLR1A protein function with a negative predictive value of 80%. In summary, the available evidence is currently insufficient to determine the role of this variant in disease. Therefore, it has been classified as a Variant of Uncertain Significance.

Ambry Genetics
Classification: Uncertain significance for Inborn genetic diseases. Last evaluated: 2025-09-28. Review status: criteria provided, single submitter. Criteria: Ambry Variant Classification Scheme 2023. Collection method: clinical testing. Allele origin: germline.